The following is an entry in ClinVar:

ClinVar aggregate classification (germline): Uncertain significance. Review status: criteria provided, multiple submitters, no conflicts (2 of 4 stars). 2 submissions from 2 submitters: Uncertain significance (2). Last evaluated 2025-04-30.

Conditions:
Familial melanoma. Also called: Hereditary melanoma; Hereditary cutaneous melanoma. Identifiers: Orphanet 618, MedGen C1512419, MONDO:0018961.
Hereditary cancer-predisposing syndrome. Also called: Hereditary Cancer Syndrome; Tumor predisposition; Neoplastic Syndromes, Hereditary; Hereditary neoplastic syndrome. Identifiers: Orphanet 140162, MedGen C0027672, MeSH D009386, MONDO:0015356.

Allele frequency attached by ClinVar (database versions not stated): TOPMed below 0.00001.

Submissions (2):

Labcorp Genetics (formerly Invitae), Labcorp
Classification: Uncertain significance for Familial melanoma. Last evaluated: 2025-04-30. Review status: criteria provided, single submitter. Criteria: Invitae Variant Classification Sherloc (09022015). Collection method: clinical testing. Allele origin: germline.
Comment: This sequence change replaces glutamic acid, which is acidic and polar, with valine, which is neutral and non-polar, at codon 86 of the CDK4 protein (p.Glu86Val). This variant is not present in population databases (gnomAD no frequency). This variant has not been reported in the literature in individuals affected with CDK4-related conditions. ClinVar contains an entry for this variant (Variation ID: 2729766). Invitae Evidence Modeling of protein sequence and biophysical properties (such as structural, functional, and spatial information, amino acid conservation, physicochemical variation, residue mobility, and thermodynamic stability) indicates that this missense variant is not expected to disrupt CDK4 protein function with a negative predictive value of 95%. In summary, the available evidence is currently insufficient to determine the role of this variant in disease. Therefore, it has been classified as a Variant of Uncertain Significance.

Ambry Genetics
Classification: Uncertain significance for Hereditary cancer-predisposing syndrome. Last evaluated: 2024-09-13. Review status: criteria provided, single submitter. Criteria: Ambry Variant Classification Scheme 2023. Collection method: clinical testing. Allele origin: germline.
Comment: The p.E86V variant (also known as c.257A>T), located in coding exon 2 of the CDK4 gene, results from an A to T substitution at nucleotide position 257. The glutamic acid at codon 86 is replaced by valine, an amino acid with dissimilar properties. This amino acid position is conserved. In addition, the in silico prediction for this alteration is inconclusive. Based on the available evidence, the clinical significance of this variant remains unclear.

NM_000075.4(CDK4):c.257A>T (p.Glu86Val)

Gene: CDK4 (cyclin dependent kinase 4; minus strand). Cytogenetic location: 12q14.1.
Variant type: single nucleotide variant.
Coding change: c.257A>T on transcript NM_000075.4 (MANE Select); coding-DNA position 257, A replaced by T.
Protein change: p.Glu86Val; replaces glutamic acid 86 with valine.
Molecular consequence: missense variant.
Genome position (GRCh38, 1-based): chr12:57,751,304, T>A on the plus strand (A>T on the coding strand, the complement: CDK4 is on the minus strand). VCF-style: chr12-57751304-T-A. GRCh37 (hg19) VCF-style: chr12-58145087-T-A.
Other names: c.257A>T (NM_000075.3); short protein forms E86V.
Identifiers: ClinVar variation 2729766 (VCV002729766.4), dbSNP rs1955234642, ClinGen allele CA385548161.